The following is an entry in ClinVar:

ClinVar aggregate classification (germline): Pathogenic (1 of 4 stars; one submission).

Conditions:
Microcephaly-intellectual disability-sensorineural hearing loss-epilepsy-abnormal muscle tone syndrome (NEDHSB). Also called: NEURODEVELOPMENTAL DISORDER WITH HEARING LOSS, SEIZURES, AND BRAIN ABNORMALITIES. Identifiers: Orphanet 457351, MedGen C4225276, MONDO:0014698, OMIM 616577.

Allele frequency attached by ClinVar (database versions not stated): gnomAD 0.00001; gnomAD exomes below 0.00001; TOPMed 0.00002.
gnomAD v4.1: 4 of 1,613,754 alleles (0.00025%); highest among the groups gnomAD compares: African/African-American, 0.0053%; no homozygotes.

Submission:

Labcorp Genetics (formerly Invitae), Labcorp
Classification: Pathogenic for Microcephaly-intellectual disability-sensorineural hearing loss-epilepsy-abnormal muscle tone syndrome. Last evaluated: 2025-11-12. Review status: criteria provided, single submitter. Criteria: Invitae Variant Classification Sherloc (09022015). Collection method: clinical testing. Allele origin: germline.
Comment: This sequence change creates a premature translational stop signal (p.Gln344*) in the SPATA5 gene. It is expected to result in an absent or disrupted protein product. Loss-of-function variants in SPATA5 are known to be pathogenic (PMID: 26299366). The frequency data for this variant in the population databases is considered unreliable, as metrics indicate poor data quality at this position in the gnomAD database. This variant has not been reported in the literature in individuals affected with SPATA5-related conditions. ClinVar contains an entry for this variant (Variation ID: 839145). Algorithms developed to predict the effect of sequence changes on RNA splicing suggest that this variant may disrupt the consensus splice site. For these reasons, this variant has been classified as Pathogenic.

Literature cited by the submitters: PubMed 26299366.

NM_145207.3(AFG2A):c.1030C>T (p.Gln344Ter)

Gene: AFG2A (AAA ATPase AFG2A; plus strand). Cytogenetic location: 4q28.1.
Variant type: single nucleotide variant.
Coding change: c.1030C>T on transcript NM_145207.3 (MANE Select); coding-DNA position 1030, C replaced by T.
Protein change: p.Gln344Ter; replaces glutamine 344 with a stop codon.
Molecular consequence: nonsense.
Genome position (GRCh38, 1-based): chr4:122,934,621, C>T. VCF-style: chr4-122934621-C-T. GRCh37 (hg19) VCF-style: chr4-123855776-C-T.
Other names: c.1027C>T, p.Gln343Ter (NM_001317799.2, NM_001345856.2); short protein forms Q343*, Q344*.
Identifiers: ClinVar variation 839145 (VCV000839145.8), dbSNP rs1050800969, ClinGen allele CA104813569.